The following is an entry in ClinVar:

NM_001267550.2(TTN):c.50375_50378del (p.Glu16792fs)

Genes: TTN (titin; minus strand), TTN-AS1 (TTN antisense RNA 1; plus strand). Cytogenetic location: 2q31.2.
Variant type: Microsatellite.
Coding change: c.50375_50378del on transcript NM_001267550.2 (MANE Select); coding-DNA positions 50375 to 50378, 4 bases deleted (AAAG; older notation c.50375_50378delAAAG).
Protein change: p.Glu16792fs; shifts the reading frame from glutamic acid 16792.
Molecular consequence: frameshift variant.
Genome position (GRCh38, 1-based): chr2:178,611,931-178,611,934, CTTT deleted on the plus strand (AAAG on the coding strand, the reverse complement: TTN is on the minus strand); deleting any 4 consecutive bases within chr2:178,611,931-178,611,941 gives the same sequence; the c. name uses the placement nearest the transcript's 3' end. VCF-style (leftmost placement, unchanged base first): chr2-178611930-CCTTT-C. GRCh37 (hg19) VCF-style: chr2-179476657-CCTTT-C.
Other names: c.45452_45455del, p.Glu15151fs (NM_001256850.1); c.50368_50371AAGA[1], p.Glu16792Glyfs (NM_001267550.1); c.23180_23183del, p.Glu7727fs (NM_003319.4); c.42671_42674del, p.Glu14224fs (NM_133378.4); c.23555_23558del, p.Glu7852fs (NM_133432.3); c.23756_23759del, p.Glu7919fs (NM_133437.4); c.23180_23183delAAAG (NM_003319.4); c.50375_50378delAAAG (NM_001267550.2); and 1 more; short protein forms E7727fs, E15151fs, E16792fs, E7852fs, E14224fs, E7919fs.
Identifiers: ClinVar variation 1789509 (VCV001789509.7), dbSNP rs2470513891, ClinGen allele CA2580611966.

ClinVar aggregate classification (germline): Pathogenic/Likely pathogenic. Review status: criteria provided, multiple submitters, no conflicts (2 of 4 stars). 4 submissions from 4 submitters: Pathogenic (1); Likely pathogenic (3). Last evaluated 2025-07-03.

Conditions:
Cardiovascular phenotype. Identifiers: MedGen CN230736.
Dilated cardiomyopathy 1G (CMD1G). Identifiers: Orphanet 154, MedGen C1858763, MONDO:0011400, OMIM 604145.
Autosomal recessive limb-girdle muscular dystrophy type 2J (LGMDR10). Also called: Limb-girdle muscular dystrophy, type 2J; MUSCULAR DYSTROPHY, LIMB-GIRDLE, AUTOSOMAL RECESSIVE 10. Identifiers: Orphanet 140922, MedGen C1837342, MONDO:0012127, OMIM 608807.

Submissions (4):

Ambry Genetics
Classification: Likely pathogenic for Cardiovascular phenotype. Last evaluated: 2025-07-03. Review status: criteria provided, single submitter. Criteria: Ambry Variant Classification Scheme 2023. Collection method: clinical testing. Allele origin: germline.
Comment: The c.23180_23183delAAAG variant, located in coding exon 95 of the TTN gene, results from a deletion of 4 nucleotides at nucleotide positions 23180 to 23183, causing a translational frameshift with a predicted alternate stop codon (p.E7727Gfs*2). This exon is located in the A-band region of the N2-B isoform of the titin protein and is constitutively expressed in TTN transcripts (percent spliced in or PSI 100%). This variant is considered to be rare based on population cohorts in the Genome Aggregation Database (gnomAD). This variant is expected to result in loss of function by premature protein truncation or nonsense-mediated mRNA decay. While truncating variants in TTN are present in 1-3% of the general population, truncating variants in the A-band are the most common cause of dilated cardiomyopathy (Herman DS et al. N. Engl. J. Med., 2012 Feb;366:619-28; Roberts AM et al. Sci Transl Med, 2015 Jan;7:270ra6). TTN truncating variants encoded in constitutive exons (PSI >90%) have been found to be significantly associated with DCM regardless of their position in titin (Schafer S et al. Nat. Genet., 2017 01;49:46-53; Akhtar MM et al. Circ Heart Fail, 2020 Oct;13:e006832; Massier M et al. Clin Genet, 2025 Jan). Based on the majority of available evidence to date, this variant is likely to be pathogenic.

Labcorp Genetics (formerly Invitae), Labcorp
Classification: Likely pathogenic for Dilated cardiomyopathy 1G; Autosomal recessive limb-girdle muscular dystrophy type 2J. Last evaluated: 2024-12-22. Review status: criteria provided, single submitter. Criteria: Invitae Variant Classification Sherloc (09022015). Collection method: clinical testing. Allele origin: germline.
Comment: This sequence change creates a premature translational stop signal (p.Glu16792Glyfs*2) in the TTN gene. While this is not anticipated to result in nonsense mediated decay, it is expected to create a truncated TTN protein. This variant is not present in population databases (gnomAD no frequency). This variant has not been reported in the literature in individuals affected with TTN-related conditions. ClinVar contains an entry for this variant (Variation ID: 1789509). This variant is located in the A band of TTN (PMID: 25589632). Truncating variants in this region are significantly overrepresented in patients affected with dilated cardiomyopathy (PMID: 25589632). Truncating variants in this region have also been reported in individuals affected with autosomal recessive centronuclear myopathy (PMID: 23975875). In summary, the currently available evidence indicates that the variant is pathogenic, but additional data are needed to prove that conclusively. Therefore, this variant has been classified as Likely Pathogenic.

GeneDx
Classification: Likely pathogenic. Last evaluated: 2024-05-13. Review status: criteria provided, single submitter. Criteria: GeneDx Variant Classification Process June 2021. Collection method: clinical testing. Allele origin: germline. Affected: yes.
Comment: Has not been previously published as pathogenic or benign to our knowledge; Not observed at significant frequency in large population cohorts (gnomAD); Frameshift variant predicted to result in protein truncation or nonsense mediated decay in a gene for which loss of function is a known mechanism of disease; Located in the A-band region of TTN in which the majority of loss of function variants have been associated with autosomal dominant titinopathies (PMID: 22335739); This variant is associated with the following publications: (PMID: 22335739)

Molecular Genetics, Royal Melbourne Hospital
Classification: Pathogenic for Dilated cardiomyopathy 1G. Last evaluated: 2023-07-07. Review status: criteria provided, single submitter. Criteria: ACMG Guidelines, 2015. Collection method: clinical testing. Allele origin: germline. Inheritance: Autosomal dominant inheritance. Affected: yes.
Comment: This sequence change in TTN is a frameshift variant predicted to cause a premature stop codon, p.(Glu16792Glyfs*2), in constitutively expressed exon 268 (percentage splice in, PSI, 100%) in the A-band. High PSI truncating variants in TTN have a significant association with dilated cardiomyopathy (PMID: 31216868). This variant is absent from the population database gnomAD v2.1 and v3.1. This variant has been identified in at least two probands with a phenotype consistent with dilated cardiomyopathy (Ambry Genetics; Royal Melbourne Hospital). Based on the classification scheme RMH Modified ACMG/AMP Guidelines v1.6.1, this variant is classified as PATHOGENIC. Following criteria are met: PVS1, PM2_Supporting, PS4_Supporting.

Literature cited by the submitters: PubMed 25589632 (cited by Labcorp Genetics (formerly Invitae), Labcorp); PubMed 23975875 (cited by Labcorp Genetics (formerly Invitae), Labcorp); PubMed 31216868 (cited by Molecular Genetics, Royal Melbourne Hospital).